The following is an entry in ClinVar:

NM_001458.5(FLNC):c.5328G>C (p.Glu1776Asp)

Genes: FLNC-AS1 (FLNC antisense RNA 1; minus strand), FLNC (filamin C; plus strand). Cytogenetic location: 7q32.1.
Variant type: single nucleotide variant.
Coding change: c.5328G>C on transcript NM_001458.5 (MANE Select); coding-DNA position 5328, G replaced by C.
Protein change: p.Glu1776Asp; replaces glutamic acid 1776 with aspartic acid.
Molecular consequence: missense variant.
Genome position (GRCh38, 1-based): chr7:128,850,413, G>C. VCF-style: chr7-128850413-G-C. GRCh37 (hg19) VCF-style: chr7-128490467-G-C.
Other names: c.5229G>C, p.Glu1743Asp (NM_001127487.2); short protein forms E1743D, E1776D.
Identifiers: ClinVar variation 3753168 (VCV003753168.3).
Genomic context (GRCh38, chr7:128,850,413, plus strand): 5'-GTCACTGACTGTTCCCTCTCACCTGCTGCAGGCCACAGAGGAGCCAGTGGTGCCTGTGGA[G>C]CCAATGGAGTCCATGCTGAGGCCCTTCAACCTGGTCATCCCCTTCGCGGTGCAGAAAGGG-3'
Protein context (NP_001449.3, residues 1766-1786): WATEEPVVPV[Glu1776Asp]PMESMLRPFN

ClinVar aggregate classification (germline): Conflicting classifications of pathogenicity. Review status: criteria provided, conflicting classifications (1 of 4 stars). 2 submissions from 2 submitters: Uncertain significance (1); Likely benign (1). Last evaluated 2025-04-03.

Conditions:
Myofibrillar myopathy 5. Also called: Filaminopathy (type); FILAMINOPATHY, AUTOSOMAL DOMINANT. Identifiers: Orphanet 171445, MedGen C1836050, MONDO:0012289, OMIM 609524.
Distal myopathy with posterior leg and anterior hand involvement. Also called: WILLIAMS DISTAL MYOPATHY. Identifiers: Orphanet 63273, MedGen C3279722, MONDO:0013550, OMIM 614065.
Hypertrophic cardiomyopathy 26. Also called: Cardiomyopathy, familial hypertrophic, 26. Identifiers: Orphanet 75249, MedGen C4310749, MONDO:0014883, OMIM 617047.
Cardiovascular phenotype. Identifiers: MedGen CN230736.

Submissions (2):

Ambry Genetics
Classification: Likely benign for Cardiovascular phenotype. Last evaluated: 2025-04-03. Review status: criteria provided, single submitter. Criteria: Ambry Variant Classification Scheme 2023. Collection method: clinical testing. Allele origin: germline.

Labcorp Genetics (formerly Invitae), Labcorp
Classification: Uncertain significance for Distal myopathy with posterior leg and anterior hand involvement; Myofibrillar myopathy 5; Hypertrophic cardiomyopathy 26. Last evaluated: 2024-10-24. Review status: criteria provided, single submitter. Criteria: Invitae Variant Classification Sherloc (09022015). Collection method: clinical testing. Allele origin: germline.
Comment: This sequence change replaces glutamic acid, which is acidic and polar, with aspartic acid, which is acidic and polar, at codon 1776 of the FLNC protein (p.Glu1776Asp). This variant is present in population databases (no rsID available, gnomAD 0.0009%). This variant has not been reported in the literature in individuals affected with FLNC-related conditions. Invitae Evidence Modeling of protein sequence and biophysical properties (such as structural, functional, and spatial information, amino acid conservation, physicochemical variation, residue mobility, and thermodynamic stability) has been performed for this missense variant. However, the output from this modeling did not meet the statistical confidence thresholds required to predict the impact of this variant on FLNC protein function. In summary, the available evidence is currently insufficient to determine the role of this variant in disease. Therefore, it has been classified as a Variant of Uncertain Significance.